The following is an entry in ClinVar:

ClinVar aggregate classification (germline): Uncertain significance (1 of 4 stars; one submission).

Allele frequency attached by ClinVar (database versions not stated): TOPMed below 0.00001; gnomAD exomes 0.00001.
gnomAD v4.1: 8 of 1,614,144 alleles (0.0005%); highest among the groups gnomAD compares: Non-Finnish European, 0.00068%; no homozygotes.

Submission:

Labcorp Genetics (formerly Invitae), Labcorp
Classification: Uncertain significance. Last evaluated: 2021-12-19. Review status: criteria provided, single submitter. Criteria: Invitae Variant Classification Sherloc (09022015). Collection method: clinical testing. Allele origin: germline.
Comment: This sequence change replaces lysine, which is basic and polar, with arginine, which is basic and polar, at codon 134 of the LMNB1 protein (p.Lys134Arg). This variant is not present in population databases (gnomAD no frequency). This variant has not been reported in the literature in individuals affected with LMNB1-related conditions. Algorithms developed to predict the effect of missense changes on protein structure and function (SIFT, PolyPhen-2, Align-GVGD) all suggest that this variant is likely to be tolerated. In summary, the available evidence is currently insufficient to determine the role of this variant in disease. Therefore, it has been classified as a Variant of Uncertain Significance.

NM_005573.4(LMNB1):c.401A>G (p.Lys134Arg)

Gene: LMNB1 (lamin B1; plus strand). Cytogenetic location: 5q23.2.
Variant type: single nucleotide variant.
Coding change: c.401A>G on transcript NM_005573.4 (MANE Select); coding-DNA position 401, A replaced by G.
Protein change: p.Lys134Arg; replaces lysine 134 with arginine.
Molecular consequence: missense variant. On other transcripts: 5 prime UTR variant (1), non-coding transcript variant (1).
Genome position (GRCh38, 1-based): chr5:126,804,817, A>G. VCF-style: chr5-126804817-A-G. GRCh37 (hg19) VCF-style: chr5-126140509-A-G.
Other names: c.-230A>G (NM_001198557.2); short protein forms K134R.
Identifiers: ClinVar variation 2039001 (VCV002039001.4), dbSNP rs1751374954, ClinGen allele CA360716692.